The following is an entry in ClinVar:

ClinVar aggregate classification (germline): Uncertain significance (1 of 4 stars; one submission).

Allele frequency attached by ClinVar (database versions not stated): gnomAD exomes below 0.00001.
gnomAD v4.1: 2 of 1,612,614 alleles (0.00012%); highest among the groups gnomAD compares: Non-Finnish European, 0.00017%; no homozygotes.

Submission:

Labcorp Genetics (formerly Invitae), Labcorp
Classification: Uncertain significance. Last evaluated: 2022-08-22. Review status: criteria provided, single submitter. Criteria: Invitae Variant Classification Sherloc (09022015). Collection method: clinical testing. Allele origin: germline.
Comment: This sequence change replaces glutamine, which is neutral and polar, with lysine, which is basic and polar, at codon 2312 of the ASPM protein (p.Gln2312Lys). This variant is present in population databases (no rsID available, gnomAD 0.007%). This variant has not been reported in the literature in individuals affected with ASPM-related conditions. Algorithms developed to predict the effect of missense changes on protein structure and function (SIFT, PolyPhen-2, Align-GVGD) all suggest that this variant is likely to be tolerated. In summary, the available evidence is currently insufficient to determine the role of this variant in disease. Therefore, it has been classified as a Variant of Uncertain Significance.

NM_018136.5(ASPM):c.6934C>A (p.Gln2312Lys)

Gene: ASPM (assembly factor for spindle microtubules; minus strand). Cytogenetic location: 1q31.3.
Variant type: single nucleotide variant.
Coding change: c.6934C>A on transcript NM_018136.5 (MANE Select); coding-DNA position 6934, C replaced by A.
Protein change: p.Gln2312Lys; replaces glutamine 2312 with lysine.
Molecular consequence: missense variant. On other transcripts: intron variant (1).
Genome position (GRCh38, 1-based): chr1:197,102,317, G>T on the plus strand (C>A on the coding strand, the complement: ASPM is on the minus strand). VCF-style: chr1-197102317-G-T. GRCh37 (hg19) VCF-style: chr1-197071447-G-T.
Other names: c.4066-6153C>A (NM_001206846.2); short protein forms Q2312K.
Identifiers: ClinVar variation 1948552 (VCV001948552.5), dbSNP rs1243117687, ClinGen allele CA344020915.